The following is an entry in ClinVar:

NM_001692.4(ATP6V1B1):c.660_661insACTGTCTCTTA (p.Phe221fs)

Gene: ATP6V1B1 (ATPase H+ transporting V1 subunit B1; plus strand). Cytogenetic location: 2p13.3.
Variant type: Insertion.
Coding change: c.660_661insACTGTCTCTTA on transcript NM_001692.4 (MANE Select); coding-DNA positions 660 to 661, ACTGTCTCTTA inserted.
Protein change: p.Phe221fs; shifts the reading frame from phenylalanine 221.
Molecular consequence: frameshift variant.
Genome position: GRCh38 VCF-style: chr2-70960995-C-CACTGTCTCTTA. GRCh37 (hg19) VCF-style: chr2-71188125-C-CACTGTCTCTTA.
Other names: short protein forms F221fs.
Identifiers: ClinVar variation 5010984 (VCV005010984.1).

ClinVar aggregate classification (germline): Pathogenic (1 of 4 stars; one submission).

Conditions:
Renal tubular acidosis with progressive nerve deafness. Also called: RENAL TUBULAR ACIDOSIS, AUTOSOMAL RECESSIVE, WITH PROGRESSIVE NERVE DEAFNESS; RTA WITH PROGRESSIVE NERVE DEAFNESS; Distal Renal Tubular Acidosis with Progressive Sensorineural Deafness; renal tubular acidosis, distal, 2, with progressive sensorineural hearing loss. Identifiers: MedGen C0403554, MONDO:0009968, OMIM 267300.

Submission:

Myriad Genetics, Inc.
Classification: Pathogenic for Renal tubular acidosis with progressive nerve deafness. Last evaluated: 2024-05-14. Review status: criteria provided, single submitter. Criteria: Myriad Autosomal Dominant, Autosomal Recessive and X-Linked Classification Criteria (2023). Collection method: clinical testing. Allele origin: unknown.
Comment: NM_001692.3(ATP6V1B1):c.660_661ins11(F221Tfs*14) is expected to be pathogenic in the context of distal renal tubular acidosis with deafness, ATP6V1B1-related. This variant is predicted to lead to an abnormal or absent protein product due to the creation of a premature termination codon in ATP6V1B1, a gene where loss-of-function variants are known to be pathogenic. Please note: this variant was assessed in the context of healthy population screening.